The following is an entry in ClinVar:

NM_000551.4(VHL):c.7C>T (p.Arg3Trp)

Gene: VHL (von Hippel-Lindau tumor suppressor; plus strand). Cytogenetic location: 3p25.3.
Variant type: single nucleotide variant.
Coding change: c.7C>T on transcript NM_000551.4 (MANE Select); coding-DNA position 7, C replaced by T.
Protein change: p.Arg3Trp; replaces arginine 3 with tryptophan.
Molecular consequence: missense variant.
Genome position (GRCh38, 1-based): chr3:10,141,854, C>T. VCF-style: chr3-10141854-C-T. GRCh37 (hg19) VCF-style: chr3-10183538-C-T.
Other names: c.7C>T, p.Arg3Trp (NM_001354723.2, NM_198156.3); short protein forms R3W.
Identifiers: ClinVar variation 238114 (VCV000238114.15), dbSNP rs878854130, ClinGen allele CA10582110.

ClinVar aggregate classification (germline): Conflicting classifications of pathogenicity. Review status: criteria provided, conflicting classifications (1 of 4 stars). 5 submissions from 5 submitters: Uncertain significance (4); Likely benign (1). Last evaluated 2025-10-13.

Conditions:
Chuvash polycythemia. Also called: POLYCYTHEMIA, VHL-DEPENDENT. Identifiers: Orphanet 238557, MedGen C1837915, MONDO:0009892, OMIM 263400.
Von Hippel-Lindau syndrome (VHLS). Also called: von Hippel–Lindau syndrome; VHL syndrome; Von Hippel-Lindau. Identifiers: Orphanet 892, MedGen C0019562, MONDO:0008667, OMIM 193300. Disease mechanism: loss of function.
Hereditary cancer-predisposing syndrome. Also called: Tumor predisposition; Hereditary Cancer Syndrome; Hereditary neoplastic syndrome; Neoplastic Syndromes, Hereditary. Identifiers: Orphanet 140162, MedGen C0027672, MeSH D009386, MONDO:0015356.

Allele frequency attached by ClinVar (database versions not stated): gnomAD 0.00002; TOPMed 0.00002.
gnomAD v4.1: 8 of 1,535,254 alleles (0.00052%); highest among the groups gnomAD compares: African/African-American, 0.0028%; no homozygotes.

Submissions (5):

Labcorp Genetics (formerly Invitae), Labcorp
Classification: Uncertain significance for Von Hippel-Lindau syndrome; Chuvash polycythemia. Last evaluated: 2025-10-13. Review status: criteria provided, single submitter. Criteria: Invitae Variant Classification Sherloc (09022015). Collection method: clinical testing. Allele origin: germline.
Comment: This sequence change replaces arginine, which is basic and polar, with tryptophan, which is neutral and slightly polar, at codon 3 of the VHL protein (p.Arg3Trp). This variant is not present in population databases (gnomAD no frequency). This variant has not been reported in the literature in individuals affected with VHL-related conditions. ClinVar contains an entry for this variant (Variation ID: 238114). Invitae Evidence Modeling of protein sequence and biophysical properties (such as structural, functional, and spatial information, amino acid conservation, physicochemical variation, residue mobility, and thermodynamic stability) indicates that this missense variant is not expected to disrupt VHL protein function with a negative predictive value of 95%. In summary, the available evidence is currently insufficient to determine the role of this variant in disease. Therefore, it has been classified as a Variant of Uncertain Significance.

Quest Diagnostics Nichols Institute San Juan Capistrano
Classification: Uncertain significance. Last evaluated: 2025-08-06. Review status: criteria provided, single submitter. Criteria: Quest Diagnostics criteria. Collection method: clinical testing. Allele origin: unknown.

Ambry Genetics
Classification: Likely benign for Hereditary cancer-predisposing syndrome. Last evaluated: 2025-06-10. Review status: criteria provided, single submitter. Criteria: Ambry Variant Classification Scheme 2023. Collection method: clinical testing. Allele origin: germline.

Color Diagnostics, LLC DBA Color Health
Classification: Uncertain significance for Von Hippel-Lindau syndrome. Last evaluated: 2024-06-20. Review status: criteria provided, single submitter. Criteria: ACMG Guidelines, 2015. Collection method: clinical testing. Allele origin: germline.
Comment: This missense variant replaces arginine with tryptophan at codon 3 of the VHL protein. Computational prediction suggests that this variant may not impact protein structure and function. To our knowledge, functional studies have not been reported for this variant. This variant has not been reported in individuals affected with VHL-related disorders in the literature. This variant has not been identified in the general population by the Genome Aggregation Database (gnomAD). The available evidence is insufficient to determine the role of this variant in disease conclusively. Therefore, this variant is classified as a Variant of Uncertain Significance.

GeneDx
Classification: Uncertain significance. Last evaluated: 2022-11-02. Review status: criteria provided, single submitter. Criteria: GeneDx Variant Classification Process June 2021. Collection method: clinical testing. Allele origin: germline. Affected: yes.
Comment: Not observed at significant frequency in large population cohorts (gnomAD); In silico analysis supports that this missense variant does not alter protein structure/function; Observed in a patient with early onset colorectal cancer and no family history (Thutkawkorapin et al., 2019); This variant is associated with the following publications: (PMID: 30809968)